The following is an entry in ClinVar:

NM_020806.5(GPHN):c.1165G>C (p.Ala389Pro)

Gene: GPHN (gephyrin; plus strand). Cytogenetic location: 14q23.3.
Variant type: single nucleotide variant.
Coding change: c.1165G>C on transcript NM_020806.5 (MANE Select); coding-DNA position 1165, G replaced by C.
Protein change: p.Ala389Pro; replaces alanine 389 with proline.
Molecular consequence: missense variant.
Genome position (GRCh38, 1-based): chr14:67,089,003, G>C. VCF-style: chr14-67089003-G-C. GRCh37 (hg19) VCF-style: chr14-67555720-G-C.
Other names: c.1066G>C, p.Ala356Pro (NM_001024218.2); c.1225G>C, p.Ala409Pro (NM_001377514.1); c.1195G>C, p.Ala399Pro (NM_001377515.1); c.1186G>C, p.Ala396Pro (NM_001377516.1); c.1138G>C, p.Ala380Pro (NM_001377517.1); c.1123G>C, p.Ala375Pro (NM_001377518.1); c.1105G>C, p.Ala369Pro (NM_001377519.1); short protein forms A369P, A396P, A399P, A375P, A380P, A389P, A356P, A409P.
Identifiers: ClinVar variation 2822637 (VCV002822637.3), dbSNP rs2543058736, ClinGen allele CA390257191.

ClinVar aggregate classification (germline): Uncertain significance (1 of 4 stars; one submission).

Conditions:
Sulfite oxidase deficiency due to molybdenum cofactor deficiency type C. Also called: Molybdenum cofactor deficiency, complementation group C; Molybdenum cofactor deficiency C. Identifiers: Orphanet 308400, Orphanet 833, MedGen C1854990, MONDO:0014212, OMIM 615501.

Allele frequency attached by ClinVar (database versions not stated): gnomAD exomes below 0.00001.
gnomAD v4.1: 1 of 1,599,084 alleles (0.000063%); highest among the groups gnomAD compares: Non-Finnish European, 0.000086%; no homozygotes.

Submission:

Labcorp Genetics (formerly Invitae), Labcorp
Classification: Uncertain significance for Sulfite oxidase deficiency due to molybdenum cofactor deficiency type C. Last evaluated: 2023-07-31. Review status: criteria provided, single submitter. Criteria: Invitae Variant Classification Sherloc (09022015). Collection method: clinical testing. Allele origin: germline.
Comment: This sequence change replaces alanine, which is neutral and non-polar, with proline, which is neutral and non-polar, at codon 389 of the GPHN protein (p.Ala389Pro). This variant is not present in population databases (gnomAD no frequency). This variant has not been reported in the literature in individuals affected with GPHN-related conditions. Advanced modeling of protein sequence and biophysical properties (such as structural, functional, and spatial information, amino acid conservation, physicochemical variation, residue mobility, and thermodynamic stability) performed at Invitae indicates that this missense variant is expected to disrupt GPHN protein function. In summary, the available evidence is currently insufficient to determine the role of this variant in disease. Therefore, it has been classified as a Variant of Uncertain Significance.